The following is an entry in ClinVar:

NM_053025.4(MYLK):c.1270G>A (p.Glu424Lys)

Gene: MYLK (myosin light chain kinase; minus strand). Cytogenetic location: 3q21.1.
Variant type: single nucleotide variant.
Coding change: c.1270G>A on transcript NM_053025.4 (MANE Select); coding-DNA position 1270, G replaced by A.
Protein change: p.Glu424Lys; replaces glutamic acid 424 with lysine.
Molecular consequence: missense variant.
Genome position (GRCh38, 1-based): chr3:123,733,726, C>T on the plus strand (G>A on the coding strand, the complement: MYLK is on the minus strand). VCF-style: chr3-123733726-C-T. GRCh37 (hg19) VCF-style: chr3-123452573-C-T.
Other names: c.742G>A, p.Glu248Lys (NM_001321309.2); c.1270G>A, p.Glu424Lys (NM_053026.4, NM_053027.4, NM_053028.4); short protein forms E248K, E424K.
Identifiers: ClinVar variation 1006726 (VCV001006726.9), dbSNP rs1302739464, ClinGen allele CA354238845.

ClinVar aggregate classification (germline): Uncertain significance (1 of 4 stars; one submission).

Conditions:
Aortic aneurysm, familial thoracic 7 (AAT7). Also called: AORTIC DISSECTION, FAMILIAL, WITH OR WITHOUT AORTIC ANEURYSM. Identifiers: MedGen C3151077, MONDO:0013418, OMIM 613780.

Allele frequency attached by ClinVar (database versions not stated): TOPMed below 0.00001.
gnomAD v4.1: 1 of 1,614,220 alleles (0.000062%); highest among the groups gnomAD compares: East Asian, 0.0022%; no homozygotes.

Submission:

Labcorp Genetics (formerly Invitae), Labcorp
Classification: Uncertain significance for Aortic aneurysm, familial thoracic 7. Last evaluated: 2020-02-27. Review status: criteria provided, single submitter. Criteria: Invitae Variant Classification Sherloc (09022015). Collection method: clinical testing. Allele origin: germline.
Comment: This sequence change replaces glutamic acid with lysine at codon 424 of the MYLK protein (p.Glu424Lys). The glutamic acid residue is highly conserved and there is a small physicochemical difference between glutamic acid and lysine. This variant is not present in population databases (ExAC no frequency). This variant has not been reported in the literature in individuals with MYLK-related conditions. Algorithms developed to predict the effect of missense changes on protein structure and function are either unavailable or do not agree on the potential impact of this missense change (SIFT: "Deleterious"; PolyPhen-2: "Benign"; Align-GVGD: "Class C55"). In summary, the available evidence is currently insufficient to determine the role of this variant in disease. Therefore, it has been classified as a Variant of Uncertain Significance.